The following is an entry in ClinVar:

NM_007294.4(BRCA1):c.879T>G (p.Thr293=)

Gene: BRCA1 (BRCA1 DNA repair associated; minus strand). Cytogenetic location: 17q21.31.
Variant type: single nucleotide variant.
Coding change: c.879T>G on transcript NM_007294.4 (MANE Select); coding-DNA position 879, T replaced by G.
Protein change: p.Thr293=; no amino-acid change (threonine 293 retained).
Molecular consequence: synonymous variant. On other transcripts: 5 prime UTR variant (2), intron variant (137).
Genome position (GRCh38, 1-based): chr17:43,094,652, A>C on the plus strand (T>G on the coding strand, the complement: BRCA1 is on the minus strand). VCF-style: chr17-43094652-A-C. GRCh37 (hg19) VCF-style: chr17-41246669-A-C.
Other names: c.798T>G, p.Thr266= (NM_001407660.1, NM_001407661.1, NM_001407662.1 and 1 more transcripts); c.801T>G, p.Thr267= (NM_001407663.1, NM_001407653.1, NM_001407654.1 and 4 more transcripts); c.756T>G, p.Thr252= (NM_001407664.1, NM_001407665.1, NM_001407666.1 and 19 more transcripts); c.753T>G, p.Thr251= (NM_001407670.1, NM_001407671.1, NM_001407672.1 and 11 more transcripts); c.879T>G, p.Thr293= (NM_001407684.1, NM_001407854.1, NM_001407858.1 and 30 more transcripts); c.738T>G, p.Thr246= (NM_001407692.1, NM_001407694.1, NM_001407695.1 and 29 more transcripts); c.735T>G, p.Thr245= (NM_001407740.1, NM_001407741.1, NM_001407742.1 and 20 more transcripts); c.666T>G, p.Thr222= (NM_001407853.1, NM_001407894.1, NM_001407895.1 and 9 more transcripts); and 40 more.
Identifiers: ClinVar variation 427356 (VCV000427356.15), dbSNP rs139433219, ClinGen allele CA056857.

ClinVar aggregate classification (germline): Likely benign. Review status: reviewed by expert panel (3 of 4 stars). 4 submissions from 4 submitters: Likely benign (1). 3 of the submissions do not count toward it. Last evaluated 2017-06-29.

Conditions:
Hereditary breast ovarian cancer syndrome. Also called: Hereditary breast and ovarian cancer syndrome (HBOC); BRCA1- and BRCA2-Associated Hereditary Breast and Ovarian Cancer; Hereditary breast and/or ovarian cancer syndrome; Hereditary breast and ovarian cancer syndrome; Hereditary breast and ovarian cancer; Breast and ovarian cancer. Identifiers: Orphanet 145, MedGen C0677776, MeSH D061325, MONDO:0003582. Disease mechanism: loss of function.
Hereditary cancer-predisposing syndrome. Also called: Neoplastic Syndromes, Hereditary; Hereditary neoplastic syndrome; Tumor predisposition; Hereditary Cancer Syndrome. Identifiers: Orphanet 140162, MedGen C0027672, MeSH D009386, MONDO:0015356.
Breast-ovarian cancer, familial, susceptibility to, 1 (BROVCA1). Also called: BRCA1 Hereditary Breast and Ovarian Cancer; OVARIAN CANCER, SUSCEPTIBILITY TO. Identifiers: Orphanet 145, MedGen C2676676, MONDO:0011450, OMIM 604370. Disease mechanism: loss of function.

Allele frequency attached by ClinVar (database versions not stated): gnomAD exomes below 0.00001; TOPMed below 0.00001; ExAC 0.00001; gnomAD 0.00001; ESP Exome Variant Server 0.00008.

Submissions (4):

Evidence-based Network for the Interpretation of Germline Mutant Alleles (ENIGMA)
Classification: Likely benign for Breast-ovarian cancer, familial, susceptibility to, 1. Last evaluated: 2017-06-29. Review status: reviewed by expert panel. Criteria: ENIGMA BRCA1/2 Classification Criteria (2017-06-29). Collection method: curation. Allele origin: germline.
Comment: Synonymous substitution variant, with low bioinformatic likelihood to result in a splicing aberration (Splicing prior probability 0.02).

Labcorp Genetics (formerly Invitae), Labcorp
Classification: Likely benign for Hereditary breast ovarian cancer syndrome. Last evaluated: 2025-09-03. Review status: criteria provided, single submitter. Criteria: Invitae Variant Classification Sherloc (09022015). Collection method: clinical testing. Allele origin: germline. Not counted in ClinVar's aggregate classification.

Women's Health and Genetics/Laboratory Corporation of America, LabCorp
Classification: Likely benign. Last evaluated: 2022-02-22. Review status: criteria provided, single submitter. Criteria: LabCorp Variant Classification Summary - May 2015. Collection method: clinical testing. Allele origin: germline. Not counted in ClinVar's aggregate classification.

Ambry Genetics
Classification: Likely benign for Hereditary cancer-predisposing syndrome. Last evaluated: 2019-12-23. Review status: criteria provided, single submitter. Criteria: Ambry Variant Classification Scheme 2023. Collection method: clinical testing. Allele origin: germline. Not counted in ClinVar's aggregate classification.